The following is an entry in ClinVar:

ClinVar aggregate classification (germline): Uncertain significance (1 of 4 stars; one submission).

Conditions:
Inborn genetic diseases. Identifiers: MedGen C0950123, MeSH D030342.

Submission:

Ambry Genetics
Classification: Uncertain significance for Inborn genetic diseases. Last evaluated: 2018-05-08. Review status: criteria provided, single submitter. Criteria: Ambry Variant Classification Scheme 2023. Collection method: clinical testing. Allele origin: germline.
Comment: The p.D878H variant (also known as c.2632G>C), located in coding exon 8 of the HCN1 gene, results from a G to C substitution at nucleotide position 2632. The aspartic acid at codon 878 is replaced by histidine, an amino acid with similar properties. This amino acid position is not well conserved in available vertebrate species. In addition, the in silico prediction for this alteration is inconclusive. Since supporting evidence is limited at this time, the clinical significance of this alteration remains unclear.

NM_021072.4(HCN1):c.2632G>C (p.Asp878His)

Gene: HCN1 (hyperpolarization activated cyclic nucleotide gated potassium channel 1; minus strand). Cytogenetic location: 5p12.
Variant type: single nucleotide variant.
Coding change: c.2632G>C on transcript NM_021072.4 (MANE Select); coding-DNA position 2632, G replaced by C.
Protein change: p.Asp878His; replaces aspartic acid 878 with histidine.
Molecular consequence: missense variant.
Genome position (GRCh38, 1-based): chr5:45,261,962, C>G on the plus strand (G>C on the coding strand, the complement: HCN1 is on the minus strand). VCF-style: chr5-45261962-C-G. GRCh37 (hg19) VCF-style: chr5-45262064-C-G.
Other names: short protein forms D878H.
Identifiers: ClinVar variation 1794077 (VCV001794077.2), dbSNP rs2111838008, ClinGen allele CA359702960.